The following is an entry in ClinVar:

NM_005422.4(TECTA):c.6162+1G>A

Genes: TBCEL-TECTA (TBCEL-TECTA readthrough; plus strand), TECTA (tectorin alpha; plus strand). Cytogenetic location: 11q23.3.
Variant type: single nucleotide variant.
Coding change: c.6162+1G>A on transcript NM_005422.4 (MANE Select); the canonical splice donor site of the intron after coding-DNA position 6162, G replaced by A.
Molecular consequence: splice donor variant.
Genome position (GRCh38, 1-based): chr11:121,187,995, G>A. VCF-style: chr11-121187995-G-A. GRCh37 (hg19) VCF-style: chr11-121058704-G-A.
Other names: c.7104+1G>A (NM_001378761.1).
Identifiers: ClinVar variation 916398 (VCV000916398.48), dbSNP rs1045921265, ClinGen allele CA229828496.

ClinVar aggregate classification (germline): Pathogenic/Likely pathogenic. Review status: criteria provided, multiple submitters, no conflicts (2 of 4 stars). 5 submissions from 5 submitters: Pathogenic (4); Likely pathogenic (1). Last evaluated 2026-05-13.

Conditions:
TECTA-related disorder. Also called: TECTA-related condition.
Autosomal recessive nonsyndromic hearing loss 21. Identifiers: Orphanet 90636, MedGen C1863655, MONDO:0011351, OMIM 603629.

Allele frequency attached by ClinVar (database versions not stated): gnomAD 0.00003; TOPMed 0.00004; 1000 Genomes Project 30x 0.00016.
gnomAD v4.1: 53 of 1,614,106 alleles (0.0033%); highest among the groups gnomAD compares: African/African-American, 0.0067%; no homozygotes.

Submissions (5):

Women's Health and Genetics/Laboratory Corporation of America, LabCorp
Classification: Pathogenic for Autosomal recessive nonsyndromic hearing loss 21. Last evaluated: 2026-05-13. Review status: criteria provided, single submitter. Criteria: LabCorp Variant Classification Summary - May 2015. Collection method: clinical testing. Allele origin: germline.
Comment: Variant summary: TECTA c.6162+1G>A is located in a canonical splice-site and is predicted to affect mRNA splicing resulting in a significantly altered protein due to either exon skipping, shortening, or inclusion of intronic material. Variants that disrupt the consensus splice site are a relatively common cause of aberrant splicing and loss of TECTA function. Several computational tools predict a significant impact on normal splicing: Four predict the variant abolishes a 5' splicing donor site. However, these predictions have yet to be confirmed by functional studies. The variant allele was found at a frequency of 8e-06 in 251152 control chromosomes (gnomAD). c.6162+1G>A has been observed in one compound heterozygous individual affected with deafness (Chen_2022). The report does not provide unequivocal conclusions about association of the variant with Deafness, Autosomal Recessive 21. To our knowledge, no experimental evidence demonstrating an impact on protein function has been reported. The following publication have been ascertained in the context of this evaluation (PMID: 35870179). ClinVar contains an entry for this variant (Variation ID: 916398). Based on the evidence outlined above, the variant was classified as pathogenic.

GeneDx
Classification: Pathogenic. Last evaluated: 2025-02-06. Review status: criteria provided, single submitter. Criteria: GeneDx Variant Classification Process June 2021. Collection method: clinical testing. Allele origin: germline. Affected: yes.
Comment: Canonical splice site variant predicted to result in a null allele in a gene for which loss of function is a known mechanism of disease; Not observed at significant frequency in large population cohorts (gnomAD); This variant is associated with the following publications: (PMID: 11087000, 24130743, 17431902, 12746400, 35870179)

CeGaT Center for Human Genetics Tuebingen
Classification: Pathogenic. Last evaluated: 2025-02-01. Review status: criteria provided, single submitter. Criteria: CeGaT Center For Human Genetics Tuebingen Variant Classification Criteria Version 2. Collection method: clinical testing. Allele origin: germline. Affected: yes. Observed: 4 variant alleles.
Comment: TECTA: PVS1, PM2, PM3

Labcorp Genetics (formerly Invitae), Labcorp
Classification: Pathogenic. Last evaluated: 2023-11-20. Review status: criteria provided, single submitter. Criteria: Invitae Variant Classification Sherloc (09022015). Collection method: clinical testing. Allele origin: germline.
Comment: This sequence change affects a donor splice site in intron 20 of the TECTA gene. It is expected to disrupt RNA splicing. Variants that disrupt the donor or acceptor splice site typically lead to a loss of protein function (PMID: 16199547), and loss-of-function variants in TECTA are known to be pathogenic (PMID: 11087000, 12746400, 17431902, 24130743). This variant is present in population databases (no rsID available, gnomAD 0.002%). Disruption of this splice site has been observed in individual(s) with deafness (PMID: 35870179). In at least one individual the data is consistent with being in trans (on the opposite chromosome) from a pathogenic variant. ClinVar contains an entry for this variant (Variation ID: 916398). Algorithms developed to predict the effect of sequence changes on RNA splicing suggest that this variant may disrupt the consensus splice site. For these reasons, this variant has been classified as Pathogenic.

Blueprint Genetics
Classification: Likely pathogenic for TECTA-related disorders. Last evaluated: 2022-09-13. Review status: criteria provided, single submitter. Criteria: ACMG Guidelines, 2015. Collection method: clinical testing. Allele origin: germline. Affected: yes. Observed: 3 variant alleles.

Literature cited by the submitters: PubMed 35870179 (cited by Women's Health and Genetics/Laboratory Corporation of America, LabCorp and Labcorp Genetics (formerly Invitae), Labcorp); PubMed 16199547 (cited by Labcorp Genetics (formerly Invitae), Labcorp); PubMed 11087000 (cited by Labcorp Genetics (formerly Invitae), Labcorp); PubMed 12746400 (cited by Labcorp Genetics (formerly Invitae), Labcorp); PubMed 17431902 (cited by Labcorp Genetics (formerly Invitae), Labcorp); PubMed 24130743 (cited by Labcorp Genetics (formerly Invitae), Labcorp).